The following is an entry in ClinVar:

ClinVar aggregate classification (germline): Benign/Likely benign. Review status: criteria provided, multiple submitters, no conflicts (2 of 4 stars). 8 submissions from 8 submitters: Benign (2); Likely benign (6). Last evaluated 2026-09-09.

Conditions:
FLNC-related disorder. Also called: FLNC-related disorders; FLNC-related condition.
Cardiovascular phenotype. Identifiers: MedGen CN230736.
Myofibrillar myopathy 5. Also called: Filaminopathy (type); FILAMINOPATHY, AUTOSOMAL DOMINANT. Identifiers: Orphanet 171445, MedGen C1836050, MONDO:0012289, OMIM 609524.
Distal myopathy with posterior leg and anterior hand involvement. Also called: WILLIAMS DISTAL MYOPATHY. Identifiers: Orphanet 63273, MedGen C3279722, MONDO:0013550, OMIM 614065.
Hypertrophic cardiomyopathy 26. Also called: Cardiomyopathy, familial hypertrophic, 26. Identifiers: Orphanet 75249, MedGen C4310749, MONDO:0014883, OMIM 617047.

Allele frequency attached by ClinVar (database versions not stated): gnomAD 0.00006; gnomAD exomes 0.00007 and 0.00015; TOPMed 0.00009; ExAC 0.00012; 1000 Genomes Project 30x 0.00016; 1000 Genomes Project 0.00020.
gnomAD v4.1: 118 of 1,613,598 alleles (0.0073%); highest among the groups gnomAD compares: East Asian, 0.058%; no homozygotes.

Submissions (8):

PreventionGenetics, part of Exact Sciences
Classification: Likely benign for FLNC-related condition. Last evaluated: 2026-09-09. Review status: criteria provided, single submitter. Criteria: ACMG Guidelines, 2015. Collection method: clinical testing. Allele origin: germline.
Comment: This variant is classified as likely benign based on ACMG/AMP sequence variant interpretation guidelines (Richards et al. 2015 PMID: 25741868, with internal and published modifications).

Labcorp Genetics (formerly Invitae), Labcorp
Classification: Likely benign for Distal myopathy with posterior leg and anterior hand involvement; Myofibrillar myopathy 5; Hypertrophic cardiomyopathy 26. Last evaluated: 2026-01-28. Review status: criteria provided, single submitter. Criteria: Invitae Variant Classification Sherloc (09022015). Collection method: clinical testing. Allele origin: germline.

CeGaT Center for Human Genetics Tuebingen
Classification: Likely benign. Last evaluated: 2025-03-01. Review status: criteria provided, single submitter. Criteria: CeGaT Center For Human Genetics Tuebingen Variant Classification Criteria Version 2. Collection method: clinical testing. Allele origin: germline. Affected: yes. Observed: 2 variant alleles.
Comment: FLNC: BP4, BP7

Blueprint Genetics
Classification: Likely benign. Last evaluated: 2024-10-26. Review status: criteria provided, single submitter. Criteria: ACMG Guidelines, 2015. Collection method: clinical testing. Allele origin: germline.

Women's Health and Genetics/Laboratory Corporation of America, LabCorp
Classification: Benign. Last evaluated: 2023-12-03. Review status: criteria provided, single submitter. Criteria: LabCorp Variant Classification Summary - May 2015. Collection method: clinical testing. Allele origin: germline.

GeneDx
Classification: Likely benign. Last evaluated: 2021-06-03. Review status: criteria provided, single submitter. Criteria: GeneDx Variant Classification Process June 2021. Collection method: clinical testing. Allele origin: germline. Affected: yes.

Ambry Genetics
Classification: Likely benign for Cardiovascular phenotype. Last evaluated: 2021-03-15. Review status: criteria provided, single submitter. Criteria: Ambry Variant Classification Scheme 2023. Collection method: clinical testing. Allele origin: germline.

Athena Diagnostics
Classification: Benign. Last evaluated: 2019-06-27. Review status: criteria provided, single submitter. Criteria: Athena Diagnostics Criteria. Collection method: clinical testing. Allele origin: germline.

NM_001458.5(FLNC):c.6114C>T (p.Ile2038=)

Genes: FLNC (filamin C; plus strand), FLNC-AS1 (FLNC antisense RNA 1; minus strand). Cytogenetic location: 7q32.1.
Variant type: single nucleotide variant.
Coding change: c.6114C>T on transcript NM_001458.5 (MANE Select); coding-DNA position 6114, C replaced by T.
Protein change: p.Ile2038=; no amino-acid change (isoleucine 2038 retained).
Molecular consequence: synonymous variant.
Genome position (GRCh38, 1-based): chr7:128,852,937, C>T. VCF-style: chr7-128852937-C-T. GRCh37 (hg19) VCF-style: chr7-128492991-C-T.
Other names: c.6015C>T, p.Ile2005= (NM_001127487.2).
Identifiers: ClinVar variation 539487 (VCV000539487.42), dbSNP rs559639511, ClinGen allele CA4475890.